The following is an entry in ClinVar:

ClinVar aggregate classification (germline): Likely pathogenic (1 of 4 stars; one submission).

Allele frequency attached by ClinVar (database versions not stated): TOPMed below 0.00001.

Submission:

Labcorp Genetics (formerly Invitae), Labcorp
Classification: Likely pathogenic. Last evaluated: 2022-11-03. Review status: criteria provided, single submitter. Criteria: Invitae Variant Classification Sherloc (09022015). Collection method: clinical testing. Allele origin: germline.
Comment: In summary, the currently available evidence indicates that the variant is pathogenic, but additional data are needed to prove that conclusively. Therefore, this variant has been classified as Likely Pathogenic. Algorithms developed to predict the effect of sequence changes on RNA splicing suggest that this variant may disrupt the consensus splice site. This variant has not been reported in the literature in individuals affected with EXOSC9-related conditions. This variant is not present in population databases (gnomAD no frequency). This sequence change affects an acceptor splice site in intron 11 of the EXOSC9 gene. It is expected to disrupt RNA splicing. Variants that disrupt the donor or acceptor splice site typically lead to a loss of protein function (PMID: 16199547), and loss-of-function variants in EXOSC9 are known to be pathogenic (PMID: 29727687, 33040083).

Literature cited by the submitters: PubMed 16199547; PubMed 29727687; PubMed 33040083.

NM_005033.3(EXOSC9):c.1157-1G>T

Gene: EXOSC9 (exosome component 9; plus strand). Cytogenetic location: 4q27.
Variant type: single nucleotide variant.
Coding change: c.1157-1G>T on transcript NM_005033.3 (MANE Select); the canonical splice acceptor site of the intron before coding-DNA position 1157, G replaced by T.
Molecular consequence: splice acceptor variant.
Genome position (GRCh38, 1-based): chr4:121,816,368, G>T. VCF-style: chr4-121816368-G-T. GRCh37 (hg19) VCF-style: chr4-122737523-G-T.
Other names: c.1208-1G>T (NM_001034194.2).
Identifiers: ClinVar variation 2811760 (VCV002811760.3), dbSNP rs1361964123, ClinGen allele CA358046947.